The following is an entry in ClinVar:

ClinVar aggregate classification (germline): Conflicting classifications of pathogenicity. Review status: criteria provided, conflicting classifications (1 of 4 stars). 5 submissions from 5 submitters: Uncertain significance (2); Likely benign (3). Last evaluated 2026-01-26.

Conditions:
Renal cysts and diabetes syndrome (RCAD). Also called: MATURITY-ONSET DIABETES OF THE YOUNG, TYPE 5; Familial hypoplastic, glomerulocystic kidney. Identifiers: Orphanet 93111, MedGen C0431693, MONDO:0007669, OMIM 137920.
Maturity-onset diabetes of the young (MODY). Also called: Maturity onset diabetes mellitus in young. Identifiers: Orphanet 552, MedGen C0342276, MONDO:0018911, HP:0004904.

Allele frequency attached by ClinVar (database versions not stated): TOPMed 0.00002; gnomAD 0.00003.
gnomAD v4.1: 19 of 1,604,782 alleles (0.0012%); highest among the groups gnomAD compares: Admixed American, 0.0017%; no homozygotes.

Submissions (5):

Labcorp Genetics (formerly Invitae), Labcorp
Classification: Likely benign. Last evaluated: 2026-01-26. Review status: criteria provided, single submitter. Criteria: Invitae Variant Classification Sherloc (09022015). Collection method: clinical testing. Allele origin: germline.

Ambry Genetics
Classification: Likely benign for Maturity-onset diabetes of the young. Last evaluated: 2025-11-04. Review status: criteria provided, single submitter. Criteria: Ambry Variant Classification Scheme 2023. Collection method: clinical testing. Allele origin: germline.

Blueprint Genetics
Classification: Likely benign. Last evaluated: 2024-07-11. Review status: criteria provided, single submitter. Criteria: ACMG Guidelines, 2015. Collection method: clinical testing. Allele origin: germline.

Illumina Laboratory Services, Illumina
Classification: Uncertain significance for Renal cysts and diabetes syndrome. Last evaluated: 2018-01-12. Review status: criteria provided, single submitter. Criteria: ICSL Variant Classification Criteria 13 December 2019. Collection method: clinical testing. Allele origin: germline.

Clinical Genomics, Uppaluri K&H Personalized Medicine Clinic
Classification: Uncertain significance for Maturity-onset diabetes of the young. Review status: criteria provided, single submitter. Criteria: K & H Uppaluri Personalized Medicine Clinic Variant Classification & Assertion Criteria_Updated V.1. Collection method: research. Allele origin: unknown. Inheritance: Autosomal dominant inheritance.
Comment: HNF1B gene mutations are associated with early onset diabetes and pancreatic atrophy. It is also associated with multiple renal manifestations including renal cysts, Tubulointerstitial disease, glomerulocystic disease, renal hypoplasia, hypomagnesemia. However no sufficient evidence is found to ascertain the role of this particular variant rs773256244, yet.

Literature cited by the submitters: PubMed 24897035 (cited by Clinical Genomics, Uppaluri K&H Personalized Medicine Clinic); PubMed 25536396 (cited by Clinical Genomics, Uppaluri K&H Personalized Medicine Clinic); PubMed 27615128 (cited by Clinical Genomics, Uppaluri K&H Personalized Medicine Clinic); PubMed 28215227 (cited by Clinical Genomics, Uppaluri K&H Personalized Medicine Clinic); PubMed 33434175 (cited by Clinical Genomics, Uppaluri K&H Personalized Medicine Clinic); PubMed 25741167 (cited by Clinical Genomics, Uppaluri K&H Personalized Medicine Clinic); PubMed 26340261 (cited by Clinical Genomics, Uppaluri K&H Personalized Medicine Clinic); PubMed 19639018 (cited by Clinical Genomics, Uppaluri K&H Personalized Medicine Clinic).

NM_000458.4(HNF1B):c.9C>T (p.Ser3=)

Gene: HNF1B (HNF1 homeobox B; minus strand). Cytogenetic location: 17q12.
Variant type: single nucleotide variant.
Coding change: c.9C>T on transcript NM_000458.4 (MANE Select); coding-DNA position 9, C replaced by T.
Protein change: p.Ser3=; no amino-acid change (serine 3 retained).
Molecular consequence: synonymous variant.
Genome position (GRCh38, 1-based): chr17:37,744,876, G>A on the plus strand (C>T on the coding strand, the complement: HNF1B is on the minus strand). VCF-style: chr17-37744876-G-A. GRCh37 (hg19) VCF-style: chr17-36104867-G-A.
Other names: c.9C>T, p.Ser3= (NM_001165923.4, NM_001304286.2).
Identifiers: ClinVar variation 888622 (VCV000888622.11), dbSNP rs773256244, ClinGen allele CA8519167.